The following is an entry in ClinVar:

ClinVar aggregate classification (germline): Benign/Likely benign. Review status: criteria provided, multiple submitters, no conflicts (2 of 4 stars). 4 submissions from 4 submitters: Benign (2); Likely benign (1). 1 of the submissions does not count toward it. Last evaluated 2026-02-01.

Conditions:
SAMD11-related disorder. Also called: SAMD11-related condition.

Allele frequency attached by ClinVar (database versions not stated): gnomAD exomes 0.00132; ExAC 0.00180; gnomAD 0.00454 and 0.00480; ESP Exome Variant Server 0.00461; TOPMed 0.00509; 1000 Genomes Project 0.00779; 1000 Genomes Project 30x 0.00859.
gnomAD v4.1: 1,370 of 1,612,864 alleles (0.085%); highest among the groups gnomAD compares: African/African-American, 1.5%; 18 homozygotes.

Submissions (4):

Labcorp Genetics (formerly Invitae), Labcorp
Classification: Benign. Last evaluated: 2026-02-01. Review status: criteria provided, single submitter. Criteria: Invitae Variant Classification Sherloc (09022015). Collection method: clinical testing. Allele origin: germline.

Blueprint Genetics
Classification: Likely benign. Last evaluated: 2024-11-01. Review status: criteria provided, single submitter. Criteria: ACMG Guidelines, 2015. Collection method: clinical testing. Allele origin: germline.

Breakthrough Genomics
Classification: Benign. Review status: criteria provided, single submitter. Criteria: ACMG Guidelines, 2015. Collection method: not provided. Allele origin: germline. Inheritance: Unknown mechanism. Affected: yes.

PreventionGenetics, part of Exact Sciences
Classification: Benign for SAMD11-related condition. Last evaluated: 2019-02-22. Review status: no assertion criteria provided. Collection method: clinical testing. Allele origin: germline. Not counted in ClinVar's aggregate classification.
Comment: This variant is classified as benign based on ACMG/AMP sequence variant interpretation guidelines (Richards et al. 2015 PMID: 25741868, with internal and published modifications).

NM_001385641.1(SAMD11):c.2383C>T (p.Leu795Phe)

Gene: SAMD11 (sterile alpha motif domain containing 11; plus strand). Cytogenetic location: 1p36.33.
Variant type: single nucleotide variant.
Coding change: c.2383C>T on transcript NM_001385641.1 (MANE Select); coding-DNA position 2383, C replaced by T.
Protein change: p.Leu795Phe; replaces leucine 795 with phenylalanine.
Molecular consequence: missense variant.
Genome position (GRCh38, 1-based): chr1:944,001, C>T. VCF-style: chr1-944001-C-T. GRCh37 (hg19) VCF-style: chr1-879381-C-T.
Other names: c.2386C>T, p.Leu796Phe (NM_001385640.1); c.1894C>T, p.Leu632Phe (NM_152486.4); c.1894C>T (NM_152486.2); short protein forms L632F, L795F, L796F.
Identifiers: ClinVar variation 1164573 (VCV001164573.13), dbSNP rs116362966, ClinGen allele CA503376.